The following is an entry in ClinVar:

ClinVar aggregate classification (germline): Likely benign (1 of 4 stars; one submission).

Allele frequency attached by ClinVar (database versions not stated): 1000 Genomes Project 0.00060; 1000 Genomes Project 30x 0.00062; TOPMed 0.00178; ESP Exome Variant Server 0.00200; gnomAD 0.00237; gnomAD exomes 0.00327; ExAC 0.00745.
gnomAD v4.1: 4,942 of 1,576,958 alleles (0.31%); highest among the groups gnomAD compares: Non-Finnish European, 0.37%; 9 homozygotes.

Submission:

CeGaT Center for Human Genetics Tuebingen
Classification: Likely benign. Last evaluated: 2023-02-01. Review status: criteria provided, single submitter. Criteria: CeGaT Center For Human Genetics Tuebingen Variant Classification Criteria Version 2. Collection method: clinical testing. Allele origin: germline. Affected: yes. Observed: 1 variant allele.
Comment: NECTIN2: BP4, BP7, BS2

NM_001042724.2(NECTIN2):c.1043-3792G>A

Gene: NECTIN2 (nectin cell adhesion molecule 2; plus strand). Cytogenetic location: 19q13.32.
Variant type: single nucleotide variant.
Coding change: c.1043-3792G>A on transcript NM_001042724.2 (MANE Select); 3792 bases into the intron before coding-DNA position 1043, G replaced by A.
Molecular consequence: intron variant. On other transcripts: synonymous variant (1).
Genome position (GRCh38, 1-based): chr19:44,878,419, G>A. VCF-style: chr19-44878419-G-A. GRCh37 (hg19) VCF-style: chr19-45381676-G-A.
Other names: c.1239G>A, p.Gln413= (NM_002856.3).
Identifiers: ClinVar variation 2650090 (VCV002650090.24), dbSNP rs148423386, ClinGen allele CA9505317.